The following is an entry in ClinVar:

ClinVar aggregate classification (germline): Likely benign (1 of 4 stars; one submission).

gnomAD v4.1: 151 of 1,546,264 alleles (0.0098%); highest among the groups gnomAD compares: African/African-American, 0.17%; no homozygotes.

Submission:

CeGaT Center for Human Genetics Tuebingen
Classification: Likely benign. Last evaluated: 2025-08-01. Review status: criteria provided, single submitter. Criteria: CeGaT Center For Human Genetics Tuebingen Variant Classification Criteria Version 2. Collection method: clinical testing. Allele origin: germline. Affected: yes. Observed: 1 variant allele.
Comment: KDM4B: BP4, BP7

NM_015015.3(KDM4B):c.1308C>T (p.Gly436=)

Gene: KDM4B (lysine demethylase 4B; plus strand). Cytogenetic location: 19p13.3.
Variant type: single nucleotide variant.
Coding change: c.1308C>T on transcript NM_015015.3 (MANE Select); coding-DNA position 1308, C replaced by T.
Protein change: p.Gly436=; no amino-acid change (glycine 436 retained).
Molecular consequence: synonymous variant.
Genome position (GRCh38, 1-based): chr19:5,119,845, C>T. VCF-style: chr19-5119845-C-T. GRCh37 (hg19) VCF-style: chr19-5119856-C-T.
Other names: c.1410C>T, p.Gly470= (NM_001411148.1).
Identifiers: ClinVar variation 4084177 (VCV004084177.8).